The following is an entry in ClinVar:

ClinVar aggregate classification (germline): Pathogenic (1 of 4 stars; one submission).

Conditions:
Birt-Hogg-Dube syndrome. Also called: Birt Hogg Dubé syndrome. Identifiers: Orphanet 122, MedGen C0346010, MONDO:0800444.

Submission:

Labcorp Genetics (formerly Invitae), Labcorp
Classification: Pathogenic for Birt-Hogg-Dube syndrome. Last evaluated: 2024-06-18. Review status: criteria provided, single submitter. Criteria: Invitae Variant Classification Sherloc (09022015). Collection method: clinical testing. Allele origin: germline.
Comment: This sequence change creates a premature translational stop signal (p.Ala445Cysfs*4) in the FLCN gene. It is expected to result in an absent or disrupted protein product. Loss-of-function variants in FLCN are known to be pathogenic (PMID: 15852235). This variant is not present in population databases (gnomAD no frequency). This variant has not been reported in the literature in individuals affected with FLCN-related conditions. ClinVar contains an entry for this variant (Variation ID: 1072796). For these reasons, this variant has been classified as Pathogenic.

Literature cited by the submitters: PubMed 15852235.

NM_144997.7(FLCN):c.1333_1352del (p.Ala445fs)

Gene: FLCN (folliculin; minus strand). Cytogenetic location: 17p11.2.
Variant type: Deletion.
Coding change: c.1333_1352del on transcript NM_144997.7 (MANE Select); coding-DNA positions 1333 to 1352, 20 bases deleted (GCACGTTCCACCCTCCACCC).
Protein change: p.Ala445fs; shifts the reading frame from alanine 445.
Molecular consequence: frameshift variant.
Genome position (GRCh38, 1-based): chr17:17,215,265-17,215,284, GGGTGGAGGGTGGAACGTGC deleted on the plus strand (GCACGTTCCACCCTCCACCC on the coding strand, the reverse complement: FLCN is on the minus strand); deleting any 20 consecutive bases within chr17:17,215,265-17,215,286 gives the same sequence; the c. name uses the placement nearest the transcript's 3' end. VCF-style (leftmost placement, unchanged base first): chr17-17215264-AGGGTGGAGGGTGGAACGTGC-A. GRCh37 (hg19) VCF-style: chr17-17118578-AGGGTGGAGGGTGGAACGTGC-A.
Other names: c.1387_1406del, p.Ala463fs (NM_001353229.2); c.1333_1352del, p.Ala445fs (NM_001353230.2, NM_001353231.2); short protein forms A445fs, A463fs.
Identifiers: ClinVar variation 1072796 (VCV001072796.5), dbSNP rs2144839089, ClinGen allele CA2499223915.